The following is an entry in ClinVar:

NM_001042492.3(NF1):c.3044T>G (p.Leu1015Arg)

Gene: NF1 (neurofibromin 1; plus strand). Cytogenetic location: 17q11.2.
Variant type: single nucleotide variant.
Coding change: c.3044T>G on transcript NM_001042492.3 (MANE Select); coding-DNA position 3044, T replaced by G.
Protein change: p.Leu1015Arg; replaces leucine 1015 with arginine.
Molecular consequence: missense variant.
Genome position (GRCh38, 1-based): chr17:31,230,313, T>G. VCF-style: chr17-31230313-T-G. GRCh37 (hg19) VCF-style: chr17-29557331-T-G.
Other names: c.3044T>G, p.Leu1015Arg (NM_000267.4); short protein forms L1015R.
Identifiers: ClinVar variation 1502226 (VCV001502226.9), dbSNP rs1131691112, ClinGen allele CA398987364.

ClinVar aggregate classification (germline): Pathogenic/Likely pathogenic. Review status: criteria provided, multiple submitters, no conflicts (2 of 4 stars). 3 submissions from 3 submitters: Pathogenic (2); Likely pathogenic (1). Last evaluated 2026-10-06.

Conditions:
Neurofibromatosis, type 1 (NF1). Also called: Neurofibromatosis, type I; VON RECKLINGHAUSEN DISEASE; Peripheral type neurofibromatosis; NEUROFIBROMATOSIS, TYPE I, SOMATIC. Identifiers: Orphanet 636, MedGen C0027831, MONDO:0018975, OMIM 162200. Disease mechanism: loss of function.

Submissions (3):

NHS Central & South Genomic Laboratory Hub
Classification: Likely pathogenic for Neurofibromatosis type 1. Last evaluated: 2026-10-06. Review status: criteria provided, single submitter. Criteria: ACMG Guidelines, 2015. Collection method: clinical testing. Allele origin: germline. Affected: yes.

Labcorp Genetics (formerly Invitae), Labcorp
Classification: Pathogenic for Neurofibromatosis, type 1. Last evaluated: 2025-07-20. Review status: criteria provided, single submitter. Criteria: Invitae Variant Classification Sherloc (09022015). Collection method: clinical testing. Allele origin: germline.
Comment: This sequence change replaces leucine, which is neutral and non-polar, with arginine, which is basic and polar, at codon 1015 of the NF1 protein (p.Leu1015Arg). This variant is not present in population databases (gnomAD no frequency). This missense change has been observed in individual(s) with neurofibromatosis type I (PMID: 35240321). ClinVar contains an entry for this variant (Variation ID: 1502226). Invitae Evidence Modeling of protein sequence and biophysical properties (such as structural, functional, and spatial information, amino acid conservation, physicochemical variation, residue mobility, and thermodynamic stability) indicates that this missense variant is expected to disrupt NF1 protein function with a positive predictive value of 95%. This variant disrupts the p.Leu1015 amino acid residue in NF1. Other variant(s) that disrupt this residue have been determined to be pathogenic (PMID: 14517963, 27322474; internal data). This suggests that this residue is clinically significant, and that variants that disrupt this residue are likely to be disease-causing. For these reasons, this variant has been classified as Pathogenic.

Equipe Genetique des Anomalies du Developpement, Université de Bourgogne
Classification: Pathogenic for Neurofibromatosis, type 1. Last evaluated: 2024-05-29. Review status: criteria provided, single submitter. Criteria: ACMG Guidelines, 2015. Collection method: clinical testing. Allele origin: germline. Affected: yes.
Comment: This missense variation alters a conserved amino acid that is localized in a known functional domain. In silico predictions are in favour of a damaging effect. The c.3044T>G variant is absent from gnomAD (v4.1.0). This variant has previously been reported in ClinVar as pathogenic (VCV001502226.4). Pathogenic heterozygous missense and nonsense variants in the NF1 gene are responsible for neurofibromatosis, type 1 (OMIM #162200, PMID : 35240321) Based on the available evidence, this variant is classified as pathogenic.

Literature cited by the submitters: PubMed 35240321 (cited by Labcorp Genetics (formerly Invitae), Labcorp and Equipe Genetique des Anomalies du Developpement, Université de Bourgogne); PubMed 14517963 (cited by Labcorp Genetics (formerly Invitae), Labcorp); PubMed 27322474 (cited by Labcorp Genetics (formerly Invitae), Labcorp).